The following is an entry in ClinVar:

ClinVar aggregate classification (germline): Benign/Likely benign. Review status: criteria provided, multiple submitters, no conflicts (2 of 4 stars). 5 submissions from 5 submitters: Benign (1); Likely benign (4). Last evaluated 2025-04-14.

Conditions:
Inborn genetic diseases. Identifiers: MedGen C0950123, MeSH D030342.
ETV6-related disorder. Also called: ETV6-related condition.

gnomAD v4.1: 115 of 1,614,190 alleles (0.0071%); highest among the groups gnomAD compares: South Asian, 0.1%; no homozygotes.

Submissions (5):

Mayo Clinic Laboratories, Mayo Clinic
Classification: Likely benign. Last evaluated: 2025-04-14. Review status: criteria provided, single submitter. Criteria: ACMG Guidelines, 2015. Collection method: clinical testing. Allele origin: germline. Observed: 1 variant allele.
Comment: BP4, BP7

Labcorp Genetics (formerly Invitae), Labcorp
Classification: Benign. Last evaluated: 2025-03-30. Review status: criteria provided, single submitter. Criteria: Invitae Variant Classification Sherloc (09022015). Collection method: clinical testing. Allele origin: germline.

PreventionGenetics, part of Exact Sciences
Classification: Likely benign for ETV6-related condition. Last evaluated: 2025-01-13. Review status: criteria provided, single submitter. Criteria: ACMG Guidelines, 2015. Collection method: clinical testing. Allele origin: germline.
Comment: This variant is classified as likely benign based on ACMG/AMP sequence variant interpretation guidelines (Richards et al. 2015 PMID: 25741868, with internal and published modifications).

Ambry Genetics
Classification: Likely benign for Inborn genetic diseases. Last evaluated: 2024-08-21. Review status: criteria provided, single submitter. Criteria: Ambry Variant Classification Scheme 2023. Collection method: clinical testing. Allele origin: germline.

Blueprint Genetics
Classification: Likely benign. Last evaluated: 2024-03-20. Review status: criteria provided, single submitter. Criteria: ACMG Guidelines, 2015. Collection method: clinical testing. Allele origin: germline.

NM_001987.5(ETV6):c.426A>C (p.Thr142=)

Gene: ETV6 (ETS variant transcription factor 6; plus strand). Cytogenetic location: 12p13.2.
Variant type: single nucleotide variant.
Coding change: c.426A>C on transcript NM_001987.5 (MANE Select); coding-DNA position 426, A replaced by C.
Protein change: p.Thr142=; no amino-acid change (threonine 142 retained).
Molecular consequence: synonymous variant.
Genome position (GRCh38, 1-based): chr12:11,853,524, A>C. VCF-style: chr12-11853524-A-C. GRCh37 (hg19) VCF-style: chr12-12006458-A-C.
Other names: p.Thr142=; c.423A>C, p.Thr141= (NM_001413913.1); c.399A>C, p.Thr133= (NM_001413914.1); c.162A>C, p.Thr54= (NM_001413915.1); c.426A>C, p.Thr142= (NM_001413916.1, NM_001413917.1).
Identifiers: ClinVar variation 3510588 (VCV003510588.6).
Genomic context (GRCh38, chr12:11,853,524, plus strand): 5'-GCAGAGGAAACCTCGGATTCTTTTTTCACCATTCTTCCACCCTGGAAACTCTATACACAC[A>C]CAGCCGGAGGTCATACTGCATCAGAACCATGAAGAAGGTACTGGAAGAGGTTTCTCTTTT-3'
Protein context (NP_001978.1, residues 132-152): PFFHPGNSIH[Thr142=]QPEVILHQNH